The following is an entry in ClinVar:

NM_006206.6(PDGFRA):c.2437A>C (p.Asn813His)

Gene: PDGFRA (platelet derived growth factor receptor alpha; plus strand). Cytogenetic location: 4q12.
Variant type: single nucleotide variant.
Coding change: c.2437A>C on transcript NM_006206.6 (MANE Select); coding-DNA position 2437, A replaced by C.
Protein change: p.Asn813His; replaces asparagine 813 with histidine.
Molecular consequence: missense variant.
Genome position (GRCh38, 1-based): chr4:54,285,484, A>C. VCF-style: chr4-54285484-A-C. GRCh37 (hg19) VCF-style: chr4-55151651-A-C.
Other names: c.2512A>C, p.Asn838His (NM_001347828.2); c.2437A>C, p.Asn813His (NM_001347829.2); c.2476A>C, p.Asn826His (NM_001347830.2); short protein forms N813H, N826H, N838H.
Identifiers: ClinVar variation 528533 (VCV000528533.10), dbSNP rs1210337394, ClinGen allele CA356894828.

ClinVar aggregate classification (germline): Uncertain significance. Review status: criteria provided, multiple submitters, no conflicts (2 of 4 stars). 2 submissions from 2 submitters: Uncertain significance (2). Last evaluated 2025-11-24.

Conditions:
Hereditary cancer-predisposing syndrome. Also called: Tumor predisposition; Hereditary neoplastic syndrome; Hereditary Cancer Syndrome; Neoplastic Syndromes, Hereditary. Identifiers: Orphanet 140162, MedGen C0027672, MeSH D009386, MONDO:0015356.
Gastrointestinal stromal tumor. Also called: Gastrointestinal stroma tumor; Gastrointestinal stromal tumor, somatic. Identifiers: Orphanet 44890, MedGen C0238198, MeSH D046152, MONDO:0011719, OMIM 606764, HP:0100723.

Allele frequency attached by ClinVar (database versions not stated): gnomAD exomes below 0.00001.

Submissions (2):

Ambry Genetics
Classification: Uncertain significance for Hereditary cancer-predisposing syndrome. Last evaluated: 2025-11-24. Review status: criteria provided, single submitter. Criteria: Ambry Variant Classification Scheme 2023. Collection method: clinical testing. Allele origin: germline.
Comment: The p.N813H variant (also known as c.2437A>C), located in coding exon 16 of the PDGFRA gene, results from an A to C substitution at nucleotide position 2437. The asparagine at codon 813 is replaced by histidine, an amino acid with similar properties. This amino acid position is conserved. In addition, the in silico prediction for this alteration is inconclusive. Since supporting evidence is limited at this time, the clinical significance of this alteration remains unclear.

Labcorp Genetics (formerly Invitae), Labcorp
Classification: Uncertain significance for Gastrointestinal stromal tumor. Last evaluated: 2024-12-31. Review status: criteria provided, single submitter. Criteria: Invitae Variant Classification Sherloc (09022015). Collection method: clinical testing. Allele origin: germline.
Comment: This sequence change replaces asparagine, which is neutral and polar, with histidine, which is basic and polar, at codon 813 of the PDGFRA protein (p.Asn813His). This variant is present in population databases (no rsID available, gnomAD 0.0009%). This variant has not been reported in the literature in individuals affected with PDGFRA-related conditions. ClinVar contains an entry for this variant (Variation ID: 528533). An algorithm developed to predict the effect of missense changes on protein structure and function (PolyPhen-2) suggests that this variant is likely to be disruptive. In summary, the available evidence is currently insufficient to determine the role of this variant in disease. Therefore, it has been classified as a Variant of Uncertain Significance.